The following is an entry in ClinVar:

ClinVar aggregate classification (germline): Conflicting classifications of pathogenicity. Review status: criteria provided, conflicting classifications (1 of 4 stars). 3 submissions from 3 submitters: Uncertain significance (2); Likely benign (1). Last evaluated 2026-09-07.

Conditions:
SCLT1-related disorder. Also called: SCLT1-related condition.

Allele frequency attached by ClinVar (database versions not stated): gnomAD exomes 0.00001 and 0.00002; ExAC 0.00002; TOPMed 0.00002; ESP Exome Variant Server 0.00008.
gnomAD v4.1: 10 of 1,600,478 alleles (0.00062%); highest among the groups gnomAD compares: Middle Eastern, 0.017%; no homozygotes.

Submissions (3):

PreventionGenetics, part of Exact Sciences
Classification: Uncertain significance for SCLT1-related condition. Last evaluated: 2026-09-07. Review status: criteria provided, single submitter. Criteria: ACMG Guidelines, 2015. Collection method: clinical testing. Allele origin: germline.
Comment: The SCLT1 c.1109G>A variant is predicted to result in the amino acid substitution p.Arg370Gln. To our knowledge, this variant has not been reported in the literature. This variant is reported in 0.0088% of alleles in individuals of Latino descent in gnomAD. At this time, the clinical significance of this variant is uncertain due to the absence of conclusive functional and genetic evidence.

Ambry Genetics
Classification: Likely benign. Last evaluated: 2025-09-10. Review status: criteria provided, single submitter. Criteria: Ambry Variant Classification Scheme 2023. Collection method: clinical testing. Allele origin: germline.

Labcorp Genetics (formerly Invitae), Labcorp
Classification: Uncertain significance. Last evaluated: 2022-03-08. Review status: criteria provided, single submitter. Criteria: Invitae Variant Classification Sherloc (09022015). Collection method: clinical testing. Allele origin: germline.
Comment: This sequence change replaces arginine, which is basic and polar, with glutamine, which is neutral and polar, at codon 370 of the SCLT1 protein (p.Arg370Gln). This variant is present in population databases (rs372095705, gnomAD 0.009%). This variant has not been reported in the literature in individuals affected with SCLT1-related conditions. ClinVar contains an entry for this variant (Variation ID: 1001956). Algorithms developed to predict the effect of missense changes on protein structure and function output the following: SIFT: "Tolerated"; PolyPhen-2: "Benign"; Align-GVGD: "Class C0". The glutamine amino acid residue is found in multiple mammalian species, which suggests that this missense change does not adversely affect protein function. In summary, the available evidence is currently insufficient to determine the role of this variant in disease. Therefore, it has been classified as a Variant of Uncertain Significance.

NM_144643.4(SCLT1):c.1109G>A (p.Arg370Gln)

Gene: SCLT1 (sodium channel and clathrin linker 1; minus strand). Cytogenetic location: 4q28.2.
Variant type: single nucleotide variant.
Coding change: c.1109G>A on transcript NM_144643.4 (MANE Select); coding-DNA position 1109, G replaced by A.
Protein change: p.Arg370Gln; replaces arginine 370 with glutamine.
Molecular consequence: missense variant.
Genome position (GRCh38, 1-based): chr4:128,957,063, C>T on the plus strand (G>A on the coding strand, the complement: SCLT1 is on the minus strand). VCF-style: chr4-128957063-C-T. GRCh37 (hg19) VCF-style: chr4-129878218-C-T.
Other names: c.1109G>A (NM_144643.2, NM_144643.3); short protein forms R370Q.
Identifiers: ClinVar variation 1001956 (VCV001001956.6), dbSNP rs372095705, ClinGen allele CA3079739.